The following is an entry in ClinVar:

NM_002691.4(POLD1):c.2996T>G (p.Val999Gly)

Gene: POLD1 (DNA polymerase delta 1, catalytic subunit; plus strand). Cytogenetic location: 19q13.33.
Variant type: single nucleotide variant.
Coding change: c.2996T>G on transcript NM_002691.4 (MANE Select); coding-DNA position 2996, T replaced by G.
Protein change: p.Val999Gly; replaces valine 999 with glycine.
Molecular consequence: missense variant. On other transcripts: non-coding transcript variant (1).
Genome position (GRCh38, 1-based): chr19:50,416,652, T>G. VCF-style: chr19-50416652-T-G. GRCh37 (hg19) VCF-style: chr19-50919909-T-G.
Other names: c.2996T>G, p.Val999Gly (NM_001256849.1); c.3074T>G, p.Val1025Gly (NM_001308632.1); short protein forms V1025G, V999G.
Identifiers: ClinVar variation 2756462 (VCV002756462.3), dbSNP rs2122496598, ClinGen allele CA406986891.

ClinVar aggregate classification (germline): Uncertain significance (1 of 4 stars; one submission).

Conditions:
POLD1-related polyposis and colorectal cancer syndrome (CRCS10). Also called: Colorectal cancer 10; Colorectal cancer, susceptibility to, 10; COLORECTAL CANCER, SUSCEPTIBILITY TO, ON CHROMOSOME 19q. Identifiers: Orphanet 220460, MedGen C2675481, MONDO:0012953, OMIM 612591.

Submission:

Labcorp Genetics (formerly Invitae), Labcorp
Classification: Uncertain significance for POLD1-related polyposis and colorectal cancer syndrome. Last evaluated: 2023-08-30. Review status: criteria provided, single submitter. Criteria: Invitae Variant Classification Sherloc (09022015). Collection method: clinical testing. Allele origin: germline.
Comment: In summary, the available evidence is currently insufficient to determine the role of this variant in disease. Therefore, it has been classified as a Variant of Uncertain Significance. Advanced modeling of protein sequence and biophysical properties (such as structural, functional, and spatial information, amino acid conservation, physicochemical variation, residue mobility, and thermodynamic stability) performed at Invitae indicates that this missense variant is not expected to disrupt POLD1 protein function. This variant has not been reported in the literature in individuals affected with POLD1-related conditions. This variant is not present in population databases (gnomAD no frequency). This sequence change replaces valine, which is neutral and non-polar, with glycine, which is neutral and non-polar, at codon 999 of the POLD1 protein (p.Val999Gly).